The following is an entry in ClinVar:

ClinVar aggregate classification (germline): Uncertain significance (1 of 4 stars; one submission).

Conditions:
Arrhythmogenic right ventricular cardiomyopathy (ARVD). Also called: Arrhythmogenic right ventricular dysplasia; Cardiomyopathy, ARVC; Arrhythmogenic cardiomyopathy; Arrhythmogenic Right Ventricular Cardiomyopathy (ARVC). Identifiers: Orphanet 247, MedGen C0349788, MeSH D019571, MONDO:0016587. Disease mechanism: loss of function. Inheritance: Various modes of inheritance.

Submission:

All of Us Research Program, National Institutes of Health
Classification: Uncertain significance for Arrhythmogenic right ventricular cardiomyopathy. Last evaluated: 2023-08-15. Review status: criteria provided, single submitter. Criteria: ACMG Guidelines, 2015. Collection method: clinical testing. Allele origin: germline. Inheritance: Autosomal dominant inheritance. Observed: 1 variant allele, 1 heterozygote.
Comment: This missense variant replaces asparagine with lysine at codon 789 of the DSG2 protein. Computational prediction suggests that this variant may not impact protein structure and function (internally defined REVEL score threshold <= 0.5, PMID: 27666373). To our knowledge, functional studies have not been reported for this variant. This variant has not been reported in individuals affected with DSG2-related disorders in the literature. This variant has not been identified in the general population by the Genome Aggregation Database (gnomAD). The available evidence is insufficient to determine the role of this variant in disease conclusively. Therefore, this variant is classified as a Variant of Uncertain Significance.

This study involves interpretation of variants in research participants for the purpose of population health screening. Participant phenotype was not available at the time of variant classification. Additional details can be found in publication PMID: 35346344, PMCID: PMC8962531

NM_001943.5(DSG2):c.2367T>G (p.Asn789Lys)

Genes: DSG2 (desmoglein 2; plus strand), DSG2-AS1 (DSG2 antisense RNA 1; minus strand). Cytogenetic location: 18q12.1.
Variant type: single nucleotide variant.
Coding change: c.2367T>G on transcript NM_001943.5 (MANE Select); coding-DNA position 2367, T replaced by G.
Protein change: p.Asn789Lys; replaces asparagine 789 with lysine.
Molecular consequence: missense variant. On other transcripts: non-coding transcript variant (1).
Genome position (GRCh38, 1-based): chr18:31,545,753, T>G. VCF-style: chr18-31545753-T-G. GRCh37 (hg19) VCF-style: chr18-29125716-T-G.
Other names: short protein forms N789K.
Identifiers: ClinVar variation 3072912 (VCV003072912.1), dbSNP rs2510922144, ClinGen allele CA402144437.
Genomic context (GRCh38, chr18:31,545,753, plus strand): 5'-TGTTTGTTTTGTTTTGTTTTCATTTTAGAAAGCGGCCTCTTACACTGAGGAAGATGAAAA[T>G]CACACAGCCAAAGATTGCCTTCTGGTTTATTCTCAGGAAGAAACTGAATCGCTGAATGCT-3'
Protein context (NP_001934.2, residues 779-799): KAASYTEEDE[Asn789Lys]HTAKDCLLVY